The following is an entry in ClinVar:

ClinVar aggregate classification (germline): Uncertain significance (1 of 4 stars; one submission).

Conditions:
Hereditary cancer-predisposing syndrome. Also called: Tumor predisposition; Hereditary Cancer Syndrome; Hereditary neoplastic syndrome; Neoplastic Syndromes, Hereditary. Identifiers: Orphanet 140162, MedGen C0027672, MeSH D009386, MONDO:0015356.

Submission:

Ambry Genetics
Classification: Uncertain significance for Hereditary cancer-predisposing syndrome. Last evaluated: 2023-09-15. Review status: criteria provided, single submitter. Criteria: Ambry Variant Classification Scheme 2023. Collection method: clinical testing. Allele origin: germline.
Comment: The p.K852R variant (also known as c.2555A>G), located in coding exon 17 of the SMARCA4 gene, results from an A to G substitution at nucleotide position 2555. The lysine at codon 852 is replaced by arginine, an amino acid with highly similar properties. This amino acid position is highly conserved in available vertebrate species. In addition, the in silico prediction for this alteration is inconclusive. Missense and in-frame variants in SMARCA4 are known to cause neurodevelopmental disorders; however, such associations with rhabdoid tumor predisposition syndrome including small cell carcinoma of the ovary-hypercalcemic type (SCCOHT) are exceedingly rare (Kosho T et al. Am J Med Genet C Semin Med Genet. 2014 Sep;166C(3):262-75; Jelinic P et al. Nat Genet. 2014 May;46(5):424-6). Since supporting evidence is limited at this time, the clinical significance of this alteration remains unclear.

NM_003072.5(SMARCA4):c.2555A>G (p.Lys852Arg)

Gene: SMARCA4 (SWI/SNF related BAF chromatin remodeling complex subunit ATPase 4; plus strand). Cytogenetic location: 19p13.2.
Variant type: single nucleotide variant.
Coding change: c.2555A>G on transcript NM_003072.5 (MANE Select); coding-DNA position 2555, A replaced by G.
Protein change: p.Lys852Arg; replaces lysine 852 with arginine.
Molecular consequence: missense variant. On other transcripts: non-coding transcript variant (1).
Genome position (GRCh38, 1-based): chr19:11,019,640, A>G. VCF-style: chr19-11019640-A-G. GRCh37 (hg19) VCF-style: chr19-11130316-A-G.
Other names: c.2555A>G, p.Lys852Arg (NM_001128844.3, NM_001128845.2, NM_001128846.2 and 6 more transcripts); short protein forms K852R.
Identifiers: ClinVar variation 2587151 (VCV002587151.2), dbSNP rs2146374649, ClinGen allele CA404054504.